The following is an entry in ClinVar:

NM_014946.4(SPAST):c.296C>T (p.Pro99Leu)

Gene: SPAST (spastin; plus strand). Cytogenetic location: 2p22.3.
Variant type: single nucleotide variant.
Coding change: c.296C>T on transcript NM_014946.4 (MANE Select); coding-DNA position 296, C replaced by T.
Protein change: p.Pro99Leu; replaces proline 99 with leucine.
Molecular consequence: missense variant.
Genome position (GRCh38, 1-based): chr2:32,064,127, C>T. VCF-style: chr2-32064127-C-T. GRCh37 (hg19) VCF-style: chr2-32289196-C-T.
Other names: c.296C>T, p.Pro99Leu (NM_001363823.2, NM_001363875.2, NM_001377959.1 and 1 more transcripts); short protein forms P99L.
Identifiers: ClinVar variation 2842830 (VCV002842830.3), dbSNP rs2465682052, ClinGen allele CA346602162.

ClinVar aggregate classification (germline): Uncertain significance (1 of 4 stars; one submission).

Conditions:
Hereditary spastic paraplegia 4. Also called: Spastic Paraplegia 4; Spastic paraplegia 4, autosomal dominant; Familial spastic paraplegia autosomal dominant 2. Identifiers: Orphanet 100985, MedGen C1866855, MONDO:0008438, OMIM 182601.

Submission:

Labcorp Genetics (formerly Invitae), Labcorp
Classification: Uncertain significance for Hereditary spastic paraplegia 4. Last evaluated: 2023-03-16. Review status: criteria provided, single submitter. Criteria: Invitae Variant Classification Sherloc (09022015). Collection method: clinical testing. Allele origin: germline.
Comment: This sequence change replaces proline, which is neutral and non-polar, with leucine, which is neutral and non-polar, at codon 99 of the SPAST protein (p.Pro99Leu). In summary, the available evidence is currently insufficient to determine the role of this variant in disease. Therefore, it has been classified as a Variant of Uncertain Significance. Advanced modeling of protein sequence and biophysical properties (such as structural, functional, and spatial information, amino acid conservation, physicochemical variation, residue mobility, and thermodynamic stability) performed at Invitae indicates that this missense variant is not expected to disrupt SPAST protein function. This variant has not been reported in the literature in individuals affected with SPAST-related conditions. This variant is not present in population databases (gnomAD no frequency).